The following is an entry in ClinVar:

NM_001365088.1(SLC12A6):c.3227C>T (p.Pro1076Leu)

Gene: SLC12A6 (solute carrier family 12 member 6; minus strand). Cytogenetic location: 15q14.
Variant type: single nucleotide variant.
Coding change: c.3227C>T on transcript NM_001365088.1 (MANE Select); coding-DNA position 3227, C replaced by T.
Protein change: p.Pro1076Leu; replaces proline 1076 with leucine.
Molecular consequence: missense variant.
Genome position (GRCh38, 1-based): chr15:34,236,015, G>A on the plus strand (C>T on the coding strand, the complement: SLC12A6 is on the minus strand). VCF-style: chr15-34236015-G-A. GRCh37 (hg19) VCF-style: chr15-34528216-G-A.
Other names: c.3050C>T, p.Pro1017Leu (NM_001042494.2, NM_001042495.2); c.3200C>T, p.Pro1067Leu (NM_001042496.2); c.3182C>T, p.Pro1061Leu (NM_001042497.2); c.3074C>T, p.Pro1025Leu (NM_005135.2); c.3227C>T, p.Pro1076Leu (NM_133647.2); short protein forms P1017L, P1025L, P1076L, P1061L, P1067L.
Identifiers: ClinVar variation 2189605 (VCV002189605.1), dbSNP rs2509742955, ClinGen allele CA391617427.

ClinVar aggregate classification (germline): Uncertain significance (1 of 4 stars; one submission).

Allele frequency attached by ClinVar (database versions not stated): gnomAD exomes below 0.00001.
gnomAD v4.1: 5 of 1,612,082 alleles (0.00031%); highest among the groups gnomAD compares: South Asian, 0.0011%; no homozygotes.

Submission:

Labcorp Genetics (formerly Invitae), Labcorp
Classification: Uncertain significance. Last evaluated: 2022-02-25. Review status: criteria provided, single submitter. Criteria: Invitae Variant Classification Sherloc (09022015). Collection method: clinical testing. Allele origin: germline.
Comment: This sequence change replaces proline, which is neutral and non-polar, with leucine, which is neutral and non-polar, at codon 1076 of the SLC12A6 protein (p.Pro1076Leu). This variant is not present in population databases (gnomAD no frequency). This variant has not been reported in the literature in individuals affected with SLC12A6-related conditions. Algorithms developed to predict the effect of missense changes on protein structure and function are either unavailable or do not agree on the potential impact of this missense change (SIFT: "Deleterious"; PolyPhen-2: "Probably Damaging"; Align-GVGD: "Class C0"). Algorithms developed to predict the effect of sequence changes on RNA splicing suggest that this variant may disrupt the consensus splice site. In summary, the available evidence is currently insufficient to determine the role of this variant in disease. Therefore, it has been classified as a Variant of Uncertain Significance.